The following is an entry in ClinVar:

NM_012233.3(RAB3GAP1):c.1326+2T>G

Gene: RAB3GAP1 (RAB3 GTPase activating protein catalytic subunit 1; plus strand). Cytogenetic location: 2q21.3.
Variant type: single nucleotide variant.
Coding change: c.1326+2T>G on transcript NM_012233.3 (MANE Select); the canonical splice donor site of the intron after coding-DNA position 1326, T replaced by G.
Molecular consequence: splice donor variant.
Genome position (GRCh38, 1-based): chr2:135,132,986, T>G. VCF-style: chr2-135132986-T-G. GRCh37 (hg19) VCF-style: chr2-135890556-T-G.
Other names: c.1326+2T>G (NM_001172435.2).
Identifiers: ClinVar variation 2016810 (VCV002016810.4), dbSNP rs2468218951, ClinGen allele CA348575221.

ClinVar aggregate classification (germline): Likely pathogenic (1 of 4 stars; one submission).

Submission:

Labcorp Genetics (formerly Invitae), Labcorp
Classification: Likely pathogenic. Last evaluated: 2022-10-19. Review status: criteria provided, single submitter. Criteria: Invitae Variant Classification Sherloc (09022015). Collection method: clinical testing. Allele origin: germline.
Comment: This sequence change affects a donor splice site in intron 14 of the RAB3GAP1 gene. It is expected to disrupt RNA splicing. Variants that disrupt the donor or acceptor splice site typically lead to a loss of protein function (PMID: 16199547), and loss-of-function variants in RAB3GAP1 are known to be pathogenic (PMID: 23420520). This variant is not present in population databases (gnomAD no frequency). This variant has not been reported in the literature in individuals affected with RAB3GAP1-related conditions. Algorithms developed to predict the effect of sequence changes on RNA splicing suggest that this variant may disrupt the consensus splice site. In summary, the currently available evidence indicates that the variant is pathogenic, but additional data are needed to prove that conclusively. Therefore, this variant has been classified as Likely Pathogenic.

Literature cited by the submitters: PubMed 16199547; PubMed 23420520.